The following is an entry in ClinVar:

NM_015570.4(AUTS2):c.319_321dup (p.Ala107_Leu108insAla)

Gene: AUTS2 (activator of transcription and developmental regulator AUTS2; plus strand). Cytogenetic location: 7q11.22.
Variant type: Duplication.
Coding change: c.319_321dup on transcript NM_015570.4 (MANE Select); coding-DNA positions 319 to 321, 3 bases duplicated (GCA; older notation c.319_321dupGCA).
Protein change: p.Ala107_Leu108insAla.
Molecular consequence: inframe insertion.
Genome position (GRCh38, 1-based): chr7:69,899,295-69,899,297, GCA duplicated; duplicating any 3 consecutive bases within chr7:69,899,294-69,899,297 gives the same sequence; the c. name uses the placement nearest the transcript's 3' end. VCF-style (leftmost placement, unchanged base first): chr7-69899293-T-TAGC. GRCh37 (hg19) VCF-style: chr7-69364279-T-TAGC.
Other names: c.319_321dup, p.Ala107_Leu108insAla (NM_001127231.3, NM_001127232.3); c.319_321dupGCA (NM_015570.3).
Identifiers: ClinVar variation 2046428 (VCV002046428.5), dbSNP rs1325068297, ClinGen allele CA575784622.

ClinVar aggregate classification (germline): Uncertain significance. Review status: criteria provided, multiple submitters, no conflicts (2 of 4 stars). 2 submissions from 2 submitters: Uncertain significance (2). Last evaluated 2025-06-06.

Conditions:
AUTS2-related disorder. Also called: AUTS2-related condition.

Submissions (2):

PreventionGenetics, part of Exact Sciences
Classification: Uncertain significance for AUTS2-related condition. Last evaluated: 2025-06-06. Review status: criteria provided, single submitter. Criteria: ACMG Guidelines, 2015. Collection method: clinical testing. Allele origin: germline.
Comment: The AUTS2 c.319_321dupGCA variant is predicted to result in an in-frame duplication (p.Ala107dup). To our knowledge, this variant has not been reported in the literature. This variant is reported in 0.012% of alleles in individuals of Latino descent in gnomAD, which may be too common to be a primary cause of disease. Although we suspect that this variant may be benign, at this time, the clinical significance of this variant is uncertain due to the absence of conclusive functional and genetic evidence.

Labcorp Genetics (formerly Invitae), Labcorp
Classification: Uncertain significance. Last evaluated: 2025-04-17. Review status: criteria provided, single submitter. Criteria: Invitae Variant Classification Sherloc (09022015). Collection method: clinical testing. Allele origin: germline.
Comment: This variant, c.319_321dup, results in the insertion of 1 amino acid(s) of the AUTS2 protein (p.Ala107dup), but otherwise preserves the integrity of the reading frame. This variant is present in population databases (no rsID available, gnomAD 0.01%). This variant has not been reported in the literature in individuals affected with AUTS2-related conditions. ClinVar contains an entry for this variant (Variation ID: 2046428). Experimental studies and prediction algorithms are not available or were not evaluated, and the functional significance of this variant is currently unknown. In summary, the available evidence is currently insufficient to determine the role of this variant in disease. Therefore, it has been classified as a Variant of Uncertain Significance.